The following is an entry in ClinVar:

ClinVar aggregate classification (germline): Uncertain significance. Review status: criteria provided, single submitter (1 of 4 stars). 2 submissions from 2 submitters: Uncertain significance (1). 1 of the submissions does not count toward it. Last evaluated 2023-03-08.

Conditions:
Tuberous sclerosis syndrome (TSC). Also called: Tuberous Sclerosis Complex; Tuberous sclerosis. Identifiers: Orphanet 805, MedGen C0041341, MONDO:0001734.
Tuberous sclerosis 2 (TSC2). Identifiers: Orphanet 805, MedGen C1860707, MONDO:0013199, OMIM 613254.

Submissions (2):

Labcorp Genetics (formerly Invitae), Labcorp
Classification: Uncertain significance for Tuberous sclerosis 2. Last evaluated: 2023-03-08. Review status: criteria provided, single submitter. Criteria: Invitae Variant Classification Sherloc (09022015). Collection method: clinical testing. Allele origin: germline.
Comment: This variant is not present in population databases (gnomAD no frequency). This sequence change affects codon 572 of the TSC2 mRNA. It is a 'silent' change, meaning that it does not change the encoded amino acid sequence of the TSC2 protein. This variant also falls at the last nucleotide of exon 16, which is part of the consensus splice site for this exon. In summary, the available evidence is currently insufficient to determine the role of this variant in disease. Therefore, it has been classified as a Variant of Uncertain Significance. Variants that disrupt the consensus splice site are a relatively common cause of aberrant splicing (PMID: 17576681, 9536098). Algorithms developed to predict the effect of sequence changes on RNA splicing suggest that this variant may disrupt the consensus splice site. ClinVar contains an entry for this variant (Variation ID: 64893). This variant has been observed in individual(s) with clinical features of tuberous sclerosis complex (Invitae).

Tuberous sclerosis database (TSC2)
No classification provided. Condition: TSC. Review status: no classification provided. Criteria: Tuberous Sclerosis Database Assertion Criteria 2015. Collection method: curation. Allele origin: germline. Affected: yes. Not counted in ClinVar's aggregate classification.

Literature cited by the submitters: PubMed 17576681 (cited by Labcorp Genetics (formerly Invitae), Labcorp); PubMed 9536098 (cited by Labcorp Genetics (formerly Invitae), Labcorp).

NM_000548.5(TSC2):c.1716G>A (p.Gln572=)

Gene: TSC2 (TSC complex subunit 2; plus strand). Cytogenetic location: 16p13.3.
Variant type: single nucleotide variant.
Coding change: c.1716G>A on transcript NM_000548.5 (MANE Select); coding-DNA position 1716, G replaced by A.
Protein change: p.Gln572=; no amino-acid change (glutamine 572 retained).
Molecular consequence: synonymous variant.
Genome position (GRCh38, 1-based): chr16:2,065,635, G>A. VCF-style: chr16-2065635-G-A. GRCh37 (hg19) VCF-style: chr16-2115636-G-A.
Other names: c.1716G>A, p.Gln572= (NM_001370405.1, NM_021055.3, NM_001077183.3 and 3 more transcripts); c.1605G>A, p.Gln535= (NM_001318827.2); c.1569G>A, p.Gln523= (NM_001318829.2); c.1116G>A, p.Gln372= (NM_001318831.2); c.1749G>A, p.Gln583= (NM_001318832.2).
Identifiers: ClinVar variation 64893 (VCV000064893.5), dbSNP rs397514917, ClinGen allele CA015511.